The following is an entry in ClinVar:

NM_001387430.1(SH2B1):c.1560G>T (p.Gln520His)

Gene: SH2B1 (SH2B adaptor protein 1; plus strand). Cytogenetic location: 16p11.2.
Variant type: single nucleotide variant.
Coding change: c.1560G>T on transcript NM_001387430.1 (MANE Select); coding-DNA position 1560, G replaced by T.
Protein change: p.Gln520His; replaces glutamine 520 with histidine.
Molecular consequence: missense variant.
Genome position (GRCh38, 1-based): chr16:28,872,236, G>T. VCF-style: chr16-28872236-G-T. GRCh37 (hg19) VCF-style: chr16-28883557-G-T.
Other names: c.1560G>T, p.Gln520His (NM_001145795.2, NM_001145796.2, NM_001145797.2 and 4 more transcripts); c.552G>T, p.Gln184His (NM_001308294.2); short protein forms Q184H, Q520H.
Identifiers: ClinVar variation 2635317 (VCV002635317.3), dbSNP rs1250602894, ClinGen allele CA395395531.

ClinVar aggregate classification (germline): Uncertain significance (1 of 4 stars; one submission).

Conditions:
SH2B1-related disorder. Also called: SH2B1-related condition.

Allele frequency attached by ClinVar (database versions not stated): gnomAD 0.00001; TOPMed 0.00001.
gnomAD v4.1: 13 of 1,613,786 alleles (0.00081%); highest among the groups gnomAD compares: Non-Finnish European, 0.0011%; 1 homozygote.

Submission:

PreventionGenetics, part of Exact Sciences
Classification: Uncertain significance for SH2B1-related condition. Last evaluated: 2025-12-19. Review status: criteria provided, single submitter. Criteria: ACMG Guidelines, 2015. Collection method: clinical testing. Allele origin: germline.
Comment: The SH2B1 c.1560G>T variant is predicted to result in the amino acid substitution p.Gln520His. To our knowledge, this variant has not been reported in the literature. This variant is reported in 0.00089% of alleles in individuals of European (Non-Finnish) descent in gnomAD. At this time, the clinical significance of this variant is uncertain due to the absence of conclusive functional and genetic evidence.